The following is an entry in ClinVar:

NM_000135.4(FANCA):c.368A>G (p.Gln123Arg)

Gene: FANCA (FA complementation group A; minus strand). Cytogenetic location: 16q24.3.
Variant type: single nucleotide variant.
Coding change: c.368A>G on transcript NM_000135.4 (MANE Select); coding-DNA position 368, A replaced by G.
Protein change: p.Gln123Arg; replaces glutamine 123 with arginine.
Molecular consequence: missense variant.
Genome position (GRCh38, 1-based): chr16:89,810,987, T>C on the plus strand (A>G on the coding strand, the complement: FANCA is on the minus strand). VCF-style: chr16-89810987-T-C. GRCh37 (hg19) VCF-style: chr16-89877395-T-C.
Other names: c.368A>G, p.Gln123Arg (NM_001018112.3, NM_001286167.3, NM_001351830.2); short protein forms Q123R.
Identifiers: ClinVar variation 2039545 (VCV002039545.3), dbSNP rs988689175, ClinGen allele CA286608249.

ClinVar aggregate classification (germline): Conflicting classifications of pathogenicity. Review status: criteria provided, conflicting classifications (1 of 4 stars). 2 submissions from 2 submitters: Uncertain significance (1); Likely benign (1). Last evaluated 2025-03-26.

Conditions:
Inborn genetic diseases. Identifiers: MedGen C0950123, MeSH D030342.
Fanconi anemia (FA). Also called: Fanconi's anemia. Identifiers: Orphanet 84, MedGen C0015625, MeSH D005199, MONDO:0019391.

Allele frequency attached by ClinVar (database versions not stated): gnomAD 0.00001; TOPMed below 0.00001.
gnomAD v4.1: 51 of 1,614,000 alleles (0.0032%); highest among the groups gnomAD compares: Non-Finnish European, 0.0043%; no homozygotes.

Submissions (2):

Ambry Genetics
Classification: Likely benign for Inborn genetic diseases. Last evaluated: 2025-03-26. Review status: criteria provided, single submitter. Criteria: Ambry Variant Classification Scheme 2023. Collection method: clinical testing. Allele origin: germline.

Labcorp Genetics (formerly Invitae), Labcorp
Classification: Uncertain significance for Fanconi anemia. Last evaluated: 2023-12-15. Review status: criteria provided, single submitter. Criteria: Invitae Variant Classification Sherloc (09022015). Collection method: clinical testing. Allele origin: germline.
Comment: This sequence change replaces glutamine, which is neutral and polar, with arginine, which is basic and polar, at codon 123 of the FANCA protein (p.Gln123Arg). This variant is not present in population databases (gnomAD no frequency). This variant has not been reported in the literature in individuals affected with FANCA-related conditions. ClinVar contains an entry for this variant (Variation ID: 2039545). Advanced modeling of protein sequence and biophysical properties (such as structural, functional, and spatial information, amino acid conservation, physicochemical variation, residue mobility, and thermodynamic stability) performed at Invitae indicates that this missense variant is not expected to disrupt FANCA protein function with a negative predictive value of 80%. In summary, the available evidence is currently insufficient to determine the role of this variant in disease. Therefore, it has been classified as a Variant of Uncertain Significance.